The following is an entry in ClinVar:

ClinVar aggregate classification (germline): Uncertain significance (1 of 4 stars; one submission).

gnomAD v4.1: 1 of 1,612,934 alleles (0.000062%); highest among the groups gnomAD compares: Admixed American, 0.0017%; no homozygotes.

Submission:

Athena Diagnostics
Classification: Uncertain significance. Last evaluated: 2024-09-24. Review status: criteria provided, single submitter. Criteria: Athena Diagnostics Criteria. Collection method: clinical testing. Allele origin: unknown.
Comment: Available data are insufficient to determine the clinical significance of the variant at this time. This variant has not been reported in large, multi-ethnic general populations. Computational tools yielded predictions that this variant is unlikely to have an effect on normal RNA splicing.

NM_001127222.2(CACNA1A):c.3558C>T (p.Asn1186=)

Gene: CACNA1A (calcium voltage-gated channel subunit alpha1 A; minus strand). Cytogenetic location: 19p13.13.
Variant type: single nucleotide variant.
Coding change: c.3558C>T on transcript NM_001127222.2 (MANE Select); coding-DNA position 3558, C replaced by T.
Protein change: p.Asn1186=; no amino-acid change (asparagine 1186 retained).
Molecular consequence: synonymous variant.
Genome position (GRCh38, 1-based): chr19:13,285,202, G>A on the plus strand (C>T on the coding strand, the complement: CACNA1A is on the minus strand). VCF-style: chr19-13285202-G-A. GRCh37 (hg19) VCF-style: chr19-13396016-G-A.
Other names: c.3570C>T, p.Asn1190= (NM_000068.4, NM_023035.3); c.3561C>T, p.Asn1187= (NM_001127221.2, NM_001174080.2).
Identifiers: ClinVar variation 3571639 (VCV003571639.1).
Genomic context (GRCh38, chr19:13,285,202, plus strand): 5'-TTCCTCCTCCTCCTTCTTCTCTTCCTCTTTTTTTGGCAGTGGGTCTGGGTTGGCGTTTTT[G>A]TTCACTGTTGGGACAAGAACCAACACAGGGCTCCCTCCACAATTTCCCACAAGTCTCTGG-3'
Protein context (NP_001120694.1, residues 1176-1196): PPLNHTVVQV[Asn1186=]KNANPDPLPK